The following is an entry in ClinVar:

NM_198253.3(TERT):c.1522C>G (p.Leu508Val)

Gene: TERT (telomerase reverse transcriptase; minus strand). Cytogenetic location: 5p15.33.
Variant type: single nucleotide variant.
Coding change: c.1522C>G on transcript NM_198253.3 (MANE Select); coding-DNA position 1522, C replaced by G.
Protein change: p.Leu508Val; replaces leucine 508 with valine.
Molecular consequence: missense variant. On other transcripts: non-coding transcript variant (2).
Genome position (GRCh38, 1-based): chr5:1,293,364, G>C on the plus strand (C>G on the coding strand, the complement: TERT is on the minus strand). VCF-style: chr5-1293364-G-C. GRCh37 (hg19) VCF-style: chr5-1293479-G-C.
Other names: c.1522C>G, p.Leu508Val (NM_001193376.3); short protein forms L508V.
Identifiers: ClinVar variation 3455165 (VCV003455165.1).
Genomic context (GRCh38, chr5:1,293,364, plus strand): 5'-CCTCCTCACCTGGGCTCCTGCGCAGCCAAGCGCAGTCCCGCACGCTCATCTTCCACGTCA[G>C]CTCCTGCAGCGAGAGCTTGGCATGCTTCCCCAGGGAGATGAACTTCTTGGTGTTCCTGAG-3'
Protein context (NP_937983.2, residues 498-518): GKHAKLSLQE[Leu508Val]TWKMSVRDCA

ClinVar aggregate classification (germline): Uncertain significance (1 of 4 stars; one submission).

Conditions:
Dyskeratosis congenita. Identifiers: Orphanet 1775, MedGen C0265965, MONDO:0015780.

gnomAD v4.1: 2 of 1,613,234 alleles (0.00012%); highest among the groups gnomAD compares: Non-Finnish European, 0.000085%; no homozygotes.

Submission:

Ambry Genetics
Classification: Uncertain significance for Dyskeratosis congenita. Last evaluated: 2024-07-27. Review status: criteria provided, single submitter. Criteria: Ambry Variant Classification Scheme 2023. Collection method: clinical testing. Allele origin: germline.
Comment: The p.L508V variant (also known as c.1522C>G), located in coding exon 2 of the TERT gene, results from a C to G substitution at nucleotide position 1522. The leucine at codon 508 is replaced by valine, an amino acid with highly similar properties. This amino acid position is conserved. In addition, the in silico prediction for this alteration is inconclusive. Based on the available evidence, the clinical significance of this variant remains unclear.